The following is an entry in ClinVar:

NM_001365951.3(KIF1B):c.2727C>T (p.Pro909=)

Genes: KIF1B (kinesin family member 1B; plus strand), LOC126805614 (BRD4-independent group 4 enhancer GRCh37_chr1:10385546-10386745; plus strand). Cytogenetic location: 1p36.22.
Variant type: single nucleotide variant.
Coding change: c.2727C>T on transcript NM_001365951.3 (MANE Select); coding-DNA position 2727, C replaced by T.
Protein change: p.Pro909=; no amino-acid change (proline 909 retained).
Molecular consequence: synonymous variant.
Genome position (GRCh38, 1-based): chr1:10,326,162, C>T. VCF-style: chr1-10326162-C-T. GRCh37 (hg19) VCF-style: chr1-10386220-C-T.
Other names: c.2727C>T, p.Pro909= (NM_001365952.1); c.2589C>T, p.Pro863= (NM_015074.3).
Identifiers: ClinVar variation 702943 (VCV000702943.22), dbSNP rs200858074, ClinGen allele CA581597.

ClinVar aggregate classification (germline): Likely benign. Review status: criteria provided, multiple submitters, no conflicts (2 of 4 stars). 4 submissions from 4 submitters: Likely benign (4). Last evaluated 2025-11-03.

Conditions:
Charcot-Marie-Tooth disease. Also called: Charcot-Marie-Tooth Neuropathy; Charcot-Marie-Tooth Hereditary Neuropathy. Identifiers: Orphanet 166, MedGen C0007959, MONDO:0015626.
Charcot-Marie-Tooth disease type 2. Also called: Charcot-Marie-Tooth type 2. Identifiers: Orphanet 64746, MedGen C0270914, MONDO:0018993.

Allele frequency attached by ClinVar (database versions not stated): TOPMed 0.00002; gnomAD exomes 0.00003 and 0.00007; gnomAD 0.00004; ExAC 0.00007; 1000 Genomes Project 30x 0.00016; 1000 Genomes Project 0.00020.
gnomAD v4.1: 52 of 1,614,140 alleles (0.0032%); highest among the groups gnomAD compares: Middle Eastern, 0.049%; 1 homozygote.

Submissions (4):

Labcorp Genetics (formerly Invitae), Labcorp
Classification: Likely benign for Charcot-Marie-Tooth disease type 2. Last evaluated: 2025-11-03. Review status: criteria provided, single submitter. Criteria: Invitae Variant Classification Sherloc (09022015). Collection method: clinical testing. Allele origin: germline.

CeGaT Center for Human Genetics Tuebingen
Classification: Likely benign. Last evaluated: 2025-05-01. Review status: criteria provided, single submitter. Criteria: CeGaT Center For Human Genetics Tuebingen Variant Classification Criteria Version 2. Collection method: clinical testing. Allele origin: germline. Affected: yes. Observed: 1 variant allele.
Comment: KIF1B: BP4, BP7

Ambry Genetics
Classification: Likely benign. Last evaluated: 2020-11-17. Review status: criteria provided, single submitter. Criteria: Ambry Variant Classification Scheme 2023. Collection method: clinical testing. Allele origin: germline.

Molecular Genetics Laboratory, London Health Sciences Centre
Classification: Likely benign for Charcot-Marie-Tooth disease. Review status: criteria provided, single submitter. Criteria: ACMG Guidelines, 2015. Collection method: clinical testing. Allele origin: germline. Affected: yes.